The following is an entry in ClinVar:

NM_000338.3(SLC12A1):c.1799C>T (p.Ala600Val)

Genes: SLC12A1 (solute carrier family 12 member 1; plus strand), LOC126862123 (CDK7 strongly-dependent group 2 enhancer GRCh37_chr15:48543423-48544622; plus strand). Cytogenetic location: 15q21.1.
Variant type: single nucleotide variant.
Coding change: c.1799C>T on transcript NM_000338.3 (MANE Select); coding-DNA position 1799, C replaced by T.
Protein change: p.Ala600Val; replaces alanine 600 with valine.
Molecular consequence: missense variant.
Genome position (GRCh38, 1-based): chr15:48,251,627, C>T. VCF-style: chr15-48251627-C-T. GRCh37 (hg19) VCF-style: chr15-48543824-C-T.
Other names: c.1799C>T, p.Ala600Val (NM_001184832.2, NM_001384136.1); short protein forms A600V.
Identifiers: ClinVar variation 2376889 (VCV002376889.4), dbSNP rs750929775, ClinGen allele CA7547203.

ClinVar aggregate classification (germline): Uncertain significance. Review status: criteria provided, multiple submitters, no conflicts (2 of 4 stars). 2 submissions from 2 submitters: Uncertain significance (2). Last evaluated 2024-09-06.

Conditions:
Inborn genetic diseases. Identifiers: MedGen C0950123, MeSH D030342.

Allele frequency attached by ClinVar (database versions not stated): ExAC 0.00002; TOPMed 0.00010; gnomAD 0.00013.
gnomAD v4.1: 73 of 1,613,284 alleles (0.0045%); highest among the groups gnomAD compares: Admixed American, 0.047%; 1 homozygote.

Submissions (2):

Labcorp Genetics (formerly Invitae), Labcorp
Classification: Uncertain significance. Last evaluated: 2024-09-06. Review status: criteria provided, single submitter. Criteria: Invitae Variant Classification Sherloc (09022015). Collection method: clinical testing. Allele origin: germline.
Comment: This sequence change replaces alanine, which is neutral and non-polar, with valine, which is neutral and non-polar, at codon 600 of the SLC12A1 protein (p.Ala600Val). This variant is present in population databases (rs750929775, gnomAD 0.04%), including at least one homozygous and/or hemizygous individual. This variant has not been reported in the literature in individuals affected with SLC12A1-related conditions. ClinVar contains an entry for this variant (Variation ID: 2376889). Invitae Evidence Modeling of protein sequence and biophysical properties (such as structural, functional, and spatial information, amino acid conservation, physicochemical variation, residue mobility, and thermodynamic stability) indicates that this missense variant is not expected to disrupt SLC12A1 protein function with a negative predictive value of 80%. In summary, the available evidence is currently insufficient to determine the role of this variant in disease. Therefore, it has been classified as a Variant of Uncertain Significance.

Ambry Genetics
Classification: Uncertain significance for Inborn genetic diseases. Last evaluated: 2021-06-11. Review status: criteria provided, single submitter. Criteria: Ambry Variant Classification Scheme 2023. Collection method: clinical testing. Allele origin: germline.